The following is an entry in ClinVar:

NM_144997.7(FLCN):c.1702A>G (p.Thr568Ala)

Gene: FLCN (folliculin; minus strand). Cytogenetic location: 17p11.2.
Variant type: single nucleotide variant.
Coding change: c.1702A>G on transcript NM_144997.7 (MANE Select); coding-DNA position 1702, A replaced by G.
Protein change: p.Thr568Ala; replaces threonine 568 with alanine.
Molecular consequence: missense variant.
Genome position (GRCh38, 1-based): chr17:17,213,693, T>C on the plus strand (A>G on the coding strand, the complement: FLCN is on the minus strand). VCF-style: chr17-17213693-T-C. GRCh37 (hg19) VCF-style: chr17-17117007-T-C.
Other names: c.1756A>G, p.Thr586Ala (NM_001353229.2); c.1702A>G, p.Thr568Ala (NM_001353230.2, NM_001353231.2); c.1702A>G (LRG_325t1); short protein forms T568A, T586A.
Identifiers: ClinVar variation 232328 (VCV000232328.15), dbSNP rs748337450, ClinGen allele CA8415915.

ClinVar aggregate classification (germline): Uncertain significance. Review status: criteria provided, multiple submitters, no conflicts (2 of 4 stars). 5 submissions from 5 submitters: Uncertain significance (5). Last evaluated 2026-10-01.

Conditions:
Birt-Hogg-Dube syndrome 1 (BHD1). Also called: FIBROFOLLICULOMAS WITH TRICHODISCOMAS AND ACROCHORDONS. Identifiers: Orphanet 122, MedGen CN375946, MONDO:0800445, OMIM 135150.
Nonpapillary renal cell carcinoma. Identifiers: Orphanet 422526, MedGen CN074294, MONDO:0007763, OMIM 144700.
Colorectal cancer. Also called: Malignant Colorectal Neoplasm; Colorectal cancer, somatic. Identifiers: MedGen C0346629, MONDO:0005575, OMIM 114500.
Familial spontaneous pneumothorax (PSP). Identifiers: Orphanet 2903, MedGen C1868193, MONDO:0008259, OMIM 173600.
Hereditary cancer-predisposing syndrome. Also called: Hereditary neoplastic syndrome; Hereditary Cancer Syndrome; Neoplastic Syndromes, Hereditary; Tumor predisposition. Identifiers: Orphanet 140162, MedGen C0027672, MeSH D009386, MONDO:0015356.
Birt-Hogg-Dube syndrome. Also called: Birt Hogg Dubé syndrome. Identifiers: Orphanet 122, MedGen C0346010, MONDO:0800444.

Allele frequency attached by ClinVar (database versions not stated): ExAC 0.00001; gnomAD 0.00001; gnomAD exomes 0.00001 and below 0.00001.
gnomAD v4.1: 13 of 1,614,062 alleles (0.00081%); highest among the groups gnomAD compares: South Asian, 0.0033%; no homozygotes.

Submissions (5):

St. Jude Molecular Pathology, St. Jude Children's Research Hospital
Classification: Uncertain significance for Birt-Hogg-Dube syndrome 1. Last evaluated: 2026-10-01. Review status: criteria provided, single submitter. Criteria: St. Jude Assertion Criteria 2020. Collection method: clinical testing. Allele origin: germline.
Comment: The FLCN c.1702A>G p.(Thr568 Ala) missense change has a maximum subpopulation frequency of 0.003% in gnomAD v2.1.1. The in silico tool REVEL is inconclusive about a pathogenic or benign effect of this variant on protein function, and to our knowle dge functional studies have not been performed. To our knowledge, this variant has not been reported in individuals with Birt-Hogg-DubÃƒ © syndrome. In summary, the evidence currently available is insufficient to determine the clinical significance of th is variant. It has therefore been classified as of uncertain significance (VUS-Low).

Labcorp Genetics (formerly Invitae), Labcorp
Classification: Uncertain significance for Birt-Hogg-Dube syndrome. Last evaluated: 2025-12-09. Review status: criteria provided, single submitter. Criteria: Invitae Variant Classification Sherloc (09022015). Collection method: clinical testing. Allele origin: germline.
Comment: This sequence change replaces threonine, which is neutral and polar, with alanine, which is neutral and non-polar, at codon 568 of the FLCN protein (p.Thr568Ala). This variant is present in population databases (rs748337450, gnomAD 0.003%). This variant has not been reported in the literature in individuals affected with FLCN-related conditions. ClinVar contains an entry for this variant (Variation ID: 232328). An algorithm developed to predict the effect of missense changes on protein structure and function (PolyPhen-2) suggests that this variant is likely to be tolerated. In summary, the available evidence is currently insufficient to determine the role of this variant in disease. Therefore, it has been classified as a Variant of Uncertain Significance.

Ambry Genetics
Classification: Uncertain significance for Hereditary cancer-predisposing syndrome. Last evaluated: 2024-05-16. Review status: criteria provided, single submitter. Criteria: Ambry Variant Classification Scheme 2023. Collection method: clinical testing. Allele origin: germline.
Comment: The p.T568A variant (also known as c.1702A>G), located in coding exon 11 of the FLCN gene, results from an A to G substitution at nucleotide position 1702. The threonine at codon 568 is replaced by alanine, an amino acid with similar properties. This amino acid position is not well conserved in available vertebrate species. In addition, this alteration is predicted to be tolerated by in silico analysis. Since supporting evidence is limited at this time, the clinical significance of this alteration remains unclear.

Fulgent Genetics
Classification: Uncertain significance for Colorectal cancer; Birt-Hogg-Dube syndrome 1; Nonpapillary renal cell carcinoma; Familial spontaneous pneumothorax. Last evaluated: 2024-02-22. Review status: criteria provided, single submitter. Criteria: ACMG Guidelines, 2015. Collection method: clinical testing. Allele origin: germline.

Baylor Genetics
Classification: Uncertain significance for Birt-Hogg-Dube syndrome 1. Last evaluated: 2024-02-13. Review status: criteria provided, single submitter. Criteria: ACMG Guidelines, 2015. Collection method: clinical testing. Allele origin: unknown.